The following is an entry in ClinVar:

ClinVar aggregate classification (germline): Benign. Review status: criteria provided, multiple submitters, no conflicts (2 of 4 stars). 2 submissions from 2 submitters: Benign (2). Last evaluated 2017-05-09.

Allele frequency attached by ClinVar (database versions not stated): gnomAD exomes 0.08078 and 0.09705; 1000 Genomes Project 30x 0.09213; 1000 Genomes Project 0.09245; gnomAD 0.09705 and 0.09841; TOPMed 0.09982; ExAC 0.10194; ESP Exome Variant Server 0.10603.
gnomAD v4.1: 155,996 of 1,611,446 alleles (9.7%); highest among the groups gnomAD compares: East Asian, 13%; 8,060 homozygotes.

Submissions (2):

GeneDx
Classification: Benign. Last evaluated: 2017-05-09. Review status: criteria provided, single submitter. Criteria: GeneDx Variant Classification (06012015). Collection method: clinical testing. Allele origin: germline. Affected: yes.
Comment: This variant is considered likely benign or benign based on one or more of the following criteria: it is a conservative change, it occurs at a poorly conserved position in the protein, it is predicted to be benign by multiple in silico algorithms, and/or has population frequency not consistent with disease.

Breakthrough Genomics
Classification: Benign. Review status: criteria provided, single submitter. Criteria: ACMG Guidelines, 2015. Collection method: not provided. Allele origin: germline. Inheritance: Unknown mechanism. Affected: yes.

NM_001080779.2(MYO1C):c.3159G>T (p.Leu1053=)

Gene: MYO1C (myosin IC; minus strand). Cytogenetic location: 17p13.3.
Variant type: single nucleotide variant.
Coding change: c.3159G>T on transcript NM_001080779.2 (MANE Select); coding-DNA position 3159, G replaced by T.
Protein change: p.Leu1053=; no amino-acid change (leucine 1053 retained).
Molecular consequence: synonymous variant.
Genome position (GRCh38, 1-based): chr17:1,467,248, C>A on the plus strand (G>T on the coding strand, the complement: MYO1C is on the minus strand). VCF-style: chr17-1467248-C-A. GRCh37 (hg19) VCF-style: chr17-1370542-C-A.
Other names: c.3102G>T, p.Leu1034= (NM_001080950.2); c.3087G>T, p.Leu1029= (NM_001363855.1); c.3054G>T, p.Leu1018= (NM_033375.5).
Identifiers: ClinVar variation 508122 (VCV000508122.2), dbSNP rs2302458, ClinGen allele CA8266627.
Genomic context (GRCh38, chr17:1,467,248, plus strand): 5'-GGAAGGCTTGGCTATCACAGCCAGGCCATAAGCGGGAAAGCAGGCCCCACTCACCACAGC[C>A]AGGTGCCCGTTCTTGGCCTTGGTGATGAGCAGCTCCGAGCCGGGTGTGAAGTCAATGGTG-3'
Protein context (NP_001074248.1, residues 1043-1063): LLITKAKNGH[Leu1053=]AVVAPRLNSR